The following is an entry in ClinVar:

NM_012108.4(STAP1):c.370G>A (p.Val124Ile)

Gene: STAP1 (signal transducing adaptor family member 1; plus strand). Cytogenetic location: 4q13.2.
Variant type: single nucleotide variant.
Coding change: c.370G>A on transcript NM_012108.4 (MANE Select); coding-DNA position 370, G replaced by A.
Protein change: p.Val124Ile; replaces valine 124 with isoleucine.
Molecular consequence: missense variant.
Genome position (GRCh38, 1-based): chr4:67,581,311, G>A. VCF-style: chr4-67581311-G-A. GRCh37 (hg19) VCF-style: chr4-68447029-G-A.
Other names: c.370G>A, p.Val124Ile (NM_001317769.2); short protein forms V124I.
Identifiers: ClinVar variation 3962937 (VCV003962937.1).

ClinVar aggregate classification (germline): Uncertain significance (1 of 4 stars; one submission).

gnomAD v4.1: 2 of 1,610,458 alleles (0.00012%); highest among the groups gnomAD compares: Non-Finnish European, 0.00017%; no homozygotes.

Submission:

Ambry Genetics
Classification: Uncertain significance. Last evaluated: 2025-06-07. Review status: criteria provided, single submitter. Criteria: Ambry Variant Classification Scheme 2023. Collection method: clinical testing. Allele origin: germline.
Comment: The p.V124I variant (also known as c.370G>A), located in coding exon 5 of the STAP1 gene, results from a G to A substitution at nucleotide position 370. The valine at codon 124 is replaced by isoleucine, an amino acid with highly similar properties. This amino acid position is conserved. In addition, this alteration is predicted to be tolerated by in silico analysis. Based on the available evidence, the clinical significance of this variant remains unclear.